The following is an entry in ClinVar:

ClinVar aggregate classification (germline): Uncertain significance (1 of 4 stars; one submission).

gnomAD v4.1: 1 of 1,584,202 alleles (0.000063%); highest among the groups gnomAD compares: South Asian, 0.0011%; no homozygotes.

Submission:

GeneDx
Classification: Uncertain significance. Last evaluated: 2022-07-25. Review status: criteria provided, single submitter. Criteria: GeneDx Variant Classification Process June 2021. Collection method: clinical testing. Allele origin: germline. Affected: yes.
Comment: Not observed at significant frequency in large population cohorts (gnomAD); Nonsense variant predicted to result in protein truncation as the last 4 amino acids are lost, although loss-of-function variants have not been reported downstream of this position in the protein; Has not been previously published as pathogenic or benign to our knowledge

NM_006922.4(SCN3A):c.5989G>T (p.Glu1997Ter)

Gene: SCN3A (sodium voltage-gated channel alpha subunit 3; minus strand). Cytogenetic location: 2q24.3.
Variant type: single nucleotide variant.
Coding change: c.5989G>T on transcript NM_006922.4 (MANE Select); coding-DNA position 5989, G replaced by T.
Protein change: p.Glu1997Ter; replaces glutamic acid 1997 with a stop codon.
Molecular consequence: nonsense.
Genome position (GRCh38, 1-based): chr2:165,090,164, C>A on the plus strand (G>T on the coding strand, the complement: SCN3A is on the minus strand). VCF-style: chr2-165090164-C-A. GRCh37 (hg19) VCF-style: chr2-165946674-C-A.
Other names: c.5842G>T, p.Glu1948Ter (NM_001081676.2, NM_001081677.2); short protein forms E1948*, E1997*.
Identifiers: ClinVar variation 2413097 (VCV002413097.3), dbSNP rs1342543734, ClinGen allele CA349008781.